The following is an entry in ClinVar:

ClinVar aggregate classification (germline): Conflicting classifications of pathogenicity. Review status: criteria provided, conflicting classifications (1 of 4 stars). 4 submissions from 4 submitters: Uncertain significance (3); Likely benign (1). Last evaluated 2024-08-01.

Conditions:
Autosomal dominant spastic paraplegia type 9. Identifiers: MedGen C1832669, MONDO:0015091.
de Barsy syndrome. Also called: Cutis laxa-corneal clouding-oligophrenia syndrome. Identifiers: Orphanet 2962, MedGen C0268354, MONDO:0017569.
Cutis laxa, autosomal dominant 3 (ADCL3). Identifiers: Orphanet 90348, MedGen C4225268, MONDO:0014706, OMIM 616603.
Autosomal recessive complex spastic paraplegia type 9B. Also called: Spastic paraplegia 9b, autosomal recessive. Identifiers: Orphanet 447760, MedGen C5568980, MONDO:0014702, OMIM 616586.

Allele frequency attached by ClinVar (database versions not stated): TOPMed below 0.00001.

Submissions (4):

Blueprint Genetics
Classification: Likely benign. Last evaluated: 2024-08-01. Review status: criteria provided, single submitter. Criteria: ACMG Guidelines, 2015. Collection method: clinical testing. Allele origin: germline.

Labcorp Genetics (formerly Invitae), Labcorp
Classification: Uncertain significance for Autosomal dominant spastic paraplegia type 9; de Barsy syndrome; Cutis laxa, autosomal dominant 3. Last evaluated: 2023-01-20. Review status: criteria provided, single submitter. Criteria: Invitae Variant Classification Sherloc (09022015). Collection method: clinical testing. Allele origin: germline.
Comment: In summary, the available evidence is currently insufficient to determine the role of this variant in disease. Therefore, it has been classified as a Variant of Uncertain Significance. Variants that disrupt the consensus splice site are a relatively common cause of aberrant splicing (PMID: 17576681, 9536098). Algorithms developed to predict the effect of sequence changes on RNA splicing suggest that this variant is not likely to affect RNA splicing. ClinVar contains an entry for this variant (Variation ID: 1029647). This variant has not been reported in the literature in individuals affected with ALDH18A1-related conditions. This variant is not present in population databases (gnomAD no frequency). This sequence change falls in intron 9 of the ALDH18A1 gene. It does not directly change the encoded amino acid sequence of the ALDH18A1 protein. It affects a nucleotide within the consensus splice site.

Baylor Genetics
Classification: Uncertain significance for Autosomal recessive complex spastic paraplegia type 9B. Last evaluated: 2020-01-15. Review status: criteria provided, single submitter. Criteria: ACMG Guidelines, 2015. Collection method: clinical testing. Allele origin: unknown. Affected: yes.
Comment: This variant was determined to be of uncertain significance according to ACMG Guidelines, 2015 [PMID:25741868].

Breakthrough Genomics
Classification: Uncertain significance. Review status: criteria provided, single submitter. Criteria: ACMG Guidelines, 2015. Collection method: not provided. Allele origin: germline. Inheritance: Autosomal recessive inheritance. Affected: yes.

Literature cited by the submitters: PubMed 17576681 (cited by Labcorp Genetics (formerly Invitae), Labcorp); PubMed 9536098 (cited by Labcorp Genetics (formerly Invitae), Labcorp).

NM_002860.4(ALDH18A1):c.1078+6T>C

Gene: ALDH18A1 (aldehyde dehydrogenase 18 family member A1; minus strand). Cytogenetic location: 10q24.1.
Variant type: single nucleotide variant.
Coding change: c.1078+6T>C on transcript NM_002860.4 (MANE Select); 6 bases into the intron after coding-DNA position 1078, T replaced by C.
Molecular consequence: intron variant.
Genome position (GRCh38, 1-based): chr10:95,627,436, A>G on the plus strand (T>C on the coding strand, the complement: ALDH18A1 is on the minus strand). VCF-style: chr10-95627436-A-G. GRCh37 (hg19) VCF-style: chr10-97387193-A-G.
Other names: c.442+6T>C (NM_001323419.2); c.745+6T>C (NM_001323412.2, NM_001323416.2); c.973+6T>C (NM_001323417.2); c.1072+6T>C (NM_001017423.2, NM_001323415.2); c.739+6T>C (NM_001323418.2); c.1078+6T>C (NM_001323413.2, NM_001323414.2).
Identifiers: ClinVar variation 1029647 (VCV001029647.6), dbSNP rs919353563, ClinGen allele CA211794312.